The following is an entry in ClinVar:

ClinVar aggregate classification (germline): Uncertain significance (1 of 4 stars; one submission).

gnomAD v4.1: 5 of 1,154,123 alleles (0.00043%); highest among the groups gnomAD compares: African/African-American, 0.0036%; no homozygotes.

Submission:

GeneDx
Classification: Uncertain significance. Last evaluated: 2024-05-14. Review status: criteria provided, single submitter. Criteria: GeneDx Variant Classification Process June 2021. Collection method: clinical testing. Allele origin: germline. Affected: yes.
Comment: In silico analysis indicates that this missense variant does not alter protein structure/function; Has not been previously published as pathogenic or benign to our knowledge; This variant is associated with the following publications: (PMID: 22779007)

NM_001323289.2(CDKL5):c.107A>G (p.His36Arg)

Gene: CDKL5 (cyclin dependent kinase like 5; plus strand). Cytogenetic location: Xp22.13.
Variant type: single nucleotide variant.
Coding change: c.107A>G on transcript NM_001323289.2 (MANE Select); coding-DNA position 107, A replaced by G.
Protein change: p.His36Arg; replaces histidine 36 with arginine.
Molecular consequence: missense variant.
Genome position (GRCh38, 1-based): chrX:18,564,484, A>G. VCF-style: chrX-18564484-A-G. GRCh37 (hg19) VCF-style: chrX-18582604-A-G.
Other names: c.107A>G, p.His36Arg (NM_001037343.2, NM_003159.3); short protein forms H36R.
Identifiers: ClinVar variation 3377826 (VCV003377826.1).
Genomic context (GRCh38, chrX:18,564,484, plus strand): 5'-CAGTCGGAAAAACACTGGAGAATGACTTTCCTTCTGCTTCTTTTCCCTTGCAGGAAACAC[A>G]TGAAATTGTGGCGATCAAGAAATTCAAGGACAGTGAAGGTAGATATATATATATATATAT-3'
Protein context (NP_001310218.1, residues 26-46): VVLKCRHKET[His36Arg]EIVAIKKFKD